The following is an entry in ClinVar:

ClinVar aggregate classification (germline): Likely pathogenic. Review status: criteria provided, multiple submitters, no conflicts (2 of 4 stars). 2 submissions from 2 submitters: Likely pathogenic (2). Last evaluated 2026-01-31.

Submissions (2):

Labcorp Genetics (formerly Invitae), Labcorp
Classification: Likely pathogenic. Last evaluated: 2026-01-31. Review status: criteria provided, single submitter. Criteria: Invitae Variant Classification Sherloc (09022015). Collection method: clinical testing. Allele origin: germline.
Comment: This sequence change replaces glycine, which is neutral and non-polar, with aspartic acid, which is acidic and polar, at codon 702 of the COL4A5 protein (p.Gly702Asp). This variant is not present in population databases (gnomAD no frequency). This missense change has been observed in individuals with clinical features of Alport syndrome (PMID: 37225412; internal data). ClinVar contains an entry for this variant (Variation ID: 4076645). Invitae Evidence Modeling of protein sequence and biophysical properties (such as structural, functional, and spatial information, amino acid conservation, physicochemical variation, residue mobility, and thermodynamic stability) indicates that this missense variant is expected to disrupt COL4A5 protein function with a positive predictive value of 95%. In summary, the currently available evidence indicates that the variant is pathogenic, but additional data are needed to prove that conclusively. Therefore, this variant has been classified as Likely Pathogenic.

GeneDx
Classification: Likely pathogenic. Last evaluated: 2025-02-25. Review status: criteria provided, single submitter. Criteria: GeneDx Variant Classification Process June 2021. Collection method: clinical testing. Allele origin: germline. Affected: yes.
Comment: Identified in a heterozygous state in a patient with proteinuria and renal biopsies consistent with Alport syndrome (PMID: 37225412); Not observed at significant frequency in large population cohorts (gnomAD); In silico analysis supports that this missense variant has a deleterious effect on protein structure/function; This variant is associated with the following publications: (PMID: 35020912, 37225412)

Literature cited by the submitters: PubMed 37225412 (cited by Labcorp Genetics (formerly Invitae), Labcorp).

NM_033380.3(COL4A5):c.2105G>A (p.Gly702Asp)

Gene: COL4A5 (collagen type IV alpha 5 chain; plus strand). Cytogenetic location: Xq22.3.
Variant type: single nucleotide variant.
Coding change: c.2105G>A on transcript NM_033380.3 (MANE Select); coding-DNA position 2105, G replaced by A.
Protein change: p.Gly702Asp; replaces glycine 702 with aspartic acid.
Molecular consequence: missense variant.
Genome position (GRCh38, 1-based): chrX:108,601,948, G>A. VCF-style: chrX-108601948-G-A. GRCh37 (hg19) VCF-style: chrX-107845178-G-A.
Other names: c.2105G>A, p.Gly702Asp (NM_000495.5); short protein forms G702D.
Identifiers: ClinVar variation 4076645 (VCV004076645.2).